The following is an entry in ClinVar:

NM_018943.3(TUBA8):c.1084G>A (p.Val362Met)

Gene: TUBA8 (tubulin alpha 8; plus strand). Cytogenetic location: 22q11.21.
Variant type: single nucleotide variant.
Coding change: c.1084G>A on transcript NM_018943.3 (MANE Select); coding-DNA position 1084, G replaced by A.
Protein change: p.Val362Met; replaces valine 362 with methionine.
Molecular consequence: missense variant.
Genome position (GRCh38, 1-based): chr22:18,130,870, G>A. VCF-style: chr22-18130870-G-A. GRCh37 (hg19) VCF-style: chr22-18613637-G-A.
Other names: c.886G>A, p.Val296Met (NM_001193414.2); short protein forms V296M, V362M.
Identifiers: ClinVar variation 1404729 (VCV001404729.8), dbSNP rs756448388, ClinGen allele CA10093835.

ClinVar aggregate classification (germline): Uncertain significance (1 of 4 stars; one submission).

Allele frequency attached by ClinVar (database versions not stated): gnomAD exomes 0.00001; ExAC 0.00002; gnomAD 0.00003 and 0.00004; TOPMed 0.00006.
gnomAD v4.1: 18 of 1,613,804 alleles (0.0011%); highest among the groups gnomAD compares: Admixed American, 0.0083%; no homozygotes.

Submission:

Labcorp Genetics (formerly Invitae), Labcorp
Classification: Uncertain significance. Last evaluated: 2024-12-16. Review status: criteria provided, single submitter. Criteria: Invitae Variant Classification Sherloc (09022015). Collection method: clinical testing. Allele origin: germline.
Comment: This sequence change replaces valine, which is neutral and non-polar, with methionine, which is neutral and non-polar, at codon 362 of the TUBA8 protein (p.Val362Met). This variant is present in population databases (rs756448388, gnomAD 0.006%). This variant has not been reported in the literature in individuals affected with TUBA8-related conditions. ClinVar contains an entry for this variant (Variation ID: 1404729). Invitae Evidence Modeling of protein sequence and biophysical properties (such as structural, functional, and spatial information, amino acid conservation, physicochemical variation, residue mobility, and thermodynamic stability) indicates that this missense variant is not expected to disrupt TUBA8 protein function with a negative predictive value of 80%. In summary, the available evidence is currently insufficient to determine the role of this variant in disease. Therefore, it has been classified as a Variant of Uncertain Significance.